The following is an entry in ClinVar:

NM_001364564.1(SALL2):c.656C>G (p.Ala219Gly)

Gene: SALL2 (spalt like transcription factor 2; minus strand). Cytogenetic location: 14q11.2.
Variant type: single nucleotide variant.
Coding change: c.656C>G on transcript NM_001364564.1 (MANE Select); coding-DNA position 656, C replaced by G.
Protein change: p.Ala219Gly; replaces alanine 219 with glycine.
Molecular consequence: missense variant. On other transcripts: intron variant (2).
Genome position (GRCh38, 1-based): chr14:21,525,066, G>C on the plus strand (C>G on the coding strand, the complement: SALL2 is on the minus strand). VCF-style: chr14-21525066-G-C. GRCh37 (hg19) VCF-style: chr14-21993200-G-C.
Other names: c.662C>G (NM_005407.2); c.662C>G, p.Ala221Gly (NM_005407.3); c.392-135C>G (NM_001291446.2); c.386-135C>G (NM_001291447.2); short protein forms A221G, A219G.
Identifiers: ClinVar variation 2717396 (VCV002717396.5), dbSNP rs143504369, ClinGen allele CA7093807.

ClinVar aggregate classification (germline): Likely benign. Review status: criteria provided, single submitter (1 of 4 stars). 2 submissions from 2 submitters: Likely benign (1). 1 of the submissions does not count toward it. Last evaluated 2025-06-15.

Conditions:
SALL2-related disorder. Also called: SALL2-related condition.

Allele frequency attached by ClinVar (database versions not stated): ExAC 0.00051; 1000 Genomes Project 0.00100; 1000 Genomes Project 30x 0.00125; gnomAD 0.00161; ESP Exome Variant Server 0.00169; TOPMed 0.00187.
gnomAD v4.1: 473 of 1,614,112 alleles (0.029%); highest among the groups gnomAD compares: African/African-American, 0.57%; 2 homozygotes.

Submissions (2):

Labcorp Genetics (formerly Invitae), Labcorp
Classification: Likely benign. Last evaluated: 2025-06-15. Review status: criteria provided, single submitter. Criteria: Invitae Variant Classification Sherloc (09022015). Collection method: clinical testing. Allele origin: germline.

PreventionGenetics, part of Exact Sciences
Classification: Likely benign for SALL2-related condition. Last evaluated: 2022-05-17. Review status: no assertion criteria provided. Collection method: clinical testing. Allele origin: germline. Not counted in ClinVar's aggregate classification.
Comment: This variant is classified as likely benign based on ACMG/AMP sequence variant interpretation guidelines (Richards et al. 2015 PMID: 25741868, with internal and published modifications).